The following is an entry in ClinVar:

ClinVar aggregate classification (germline): Pathogenic. Review status: criteria provided, multiple submitters, no conflicts (2 of 4 stars). 3 submissions from 3 submitters: Pathogenic (3). Last evaluated 2025-05-24.

Conditions:
Neurofibromatosis, type 1 (NF1). Also called: VON RECKLINGHAUSEN DISEASE; NEUROFIBROMATOSIS, TYPE I, SOMATIC; Neurofibromatosis, type I; Peripheral type neurofibromatosis. Identifiers: Orphanet 636, MedGen C0027831, MONDO:0018975, OMIM 162200. Disease mechanism: loss of function.
Cardiovascular phenotype. Identifiers: MedGen CN230736.
Hereditary cancer-predisposing syndrome. Also called: Neoplastic Syndromes, Hereditary; Tumor predisposition; Hereditary Cancer Syndrome; Hereditary neoplastic syndrome. Identifiers: Orphanet 140162, MedGen C0027672, MeSH D009386, MONDO:0015356.

Submissions (3):

Ambry Genetics
Classification: Pathogenic for Cardiovascular phenotype; Hereditary cancer-predisposing syndrome. Last evaluated: 2025-05-24. Review status: criteria provided, single submitter. Criteria: Ambry Variant Classification Scheme 2023. Collection method: clinical testing. Allele origin: germline.
Comment: The c.1185+2T>A intronic pathogenic mutation results from a T to A substitution two nucleotides after coding exon 10 in the NF1 gene. This mutation has been detected in individuals with suspected or definite diagnosis of neurofibromatosis type 1 (NF1) (Zhang J et al. Sci Rep, 2015 Jun;5:11291; Kang E et al. J Hum Genet, 2020 Jan;65:79-89; Ambry internal data). RNA studies have demonstrated that this alteration results in abnormal splicing in the set of samples tested (Ambry internal data). In addition, another mutation at the same donor site (c.1185+1G>A) has been reported in multiple individuals with clinical diagnosis of NF1, and it also resulted in aberrant splicing (Ars E et al. Hum. Mol. Genet., 2000 Jan;9:237-47; Anastasaki C et al. Hum. Mol. Genet., 2015 Jun;24:3518-28). This nucleotide position is highly conserved in available vertebrate species. This variant is considered to be rare based on population cohorts in the Genome Aggregation Database (gnomAD). Based on the supporting evidence, this alteration is interpreted as a disease-causing mutation.

Labcorp Genetics (formerly Invitae), Labcorp
Classification: Pathogenic for Neurofibromatosis, type 1. Last evaluated: 2025-01-01. Review status: criteria provided, single submitter. Criteria: Invitae Variant Classification Sherloc (09022015). Collection method: clinical testing. Allele origin: germline.
Comment: This sequence change affects a donor splice site in intron 10 of the NF1 gene. It is expected to disrupt RNA splicing. Variants that disrupt the donor or acceptor splice site typically lead to a loss of protein function (PMID: 16199547), and loss-of-function variants in NF1 are known to be pathogenic (PMID: 10712197, 23913538). This variant is not present in population databases (gnomAD no frequency). Disruption of this splice site has been observed in individuals with neurofibromatosis type I (PMID: 26056819, 31776437). ClinVar contains an entry for this variant (Variation ID: 1743064). Algorithms developed to predict the effect of sequence changes on RNA splicing suggest that this variant may disrupt the consensus splice site. For these reasons, this variant has been classified as Pathogenic.

Institute for Genomic Medicine (IGM) Clinical Laboratory, Nationwide Children's Hospital
Classification: Pathogenic for Neurofibromatosis, type 1. Last evaluated: 2024-01-04. Review status: criteria provided, single submitter. Criteria: ACMG Guidelines, 2015. Collection method: clinical testing. Allele origin: germline.
Comment: This variant is predicted to result in loss of function through nonsense-mediated decay of the encoded transcript or premature truncation of the encoded protein in a gene in which loss of function is a known mechanism of disease (ACMG/AMP: PVS1). This variant has been reported at an elevated frequency in affected individuals/in multiple affected individuals in the literature (ACMG/AMP: PS4_Supporting; PMID:10607834). This variant is absent from or present at an exceedingly low frequency in gnomAD, a large-scale control population database (ACMG/AMP: PM2).

Literature cited by the submitters: PubMed 10607834 (cited by Ambry Genetics and Institute for Genomic Medicine (IGM) Clinical Laboratory, Nationwide Children's Hospital); PubMed 25788518 (cited by Ambry Genetics); PubMed 26056819 (cited by Ambry Genetics and Labcorp Genetics (formerly Invitae), Labcorp); PubMed 31776437 (cited by Ambry Genetics and Labcorp Genetics (formerly Invitae), Labcorp); PubMed 16199547 (cited by Labcorp Genetics (formerly Invitae), Labcorp); PubMed 10712197 (cited by Labcorp Genetics (formerly Invitae), Labcorp); PubMed 23913538 (cited by Labcorp Genetics (formerly Invitae), Labcorp).

NM_001042492.3(NF1):c.1185+2T>A

Gene: NF1 (neurofibromin 1; plus strand). Cytogenetic location: 17q11.2.
Variant type: single nucleotide variant.
Coding change: c.1185+2T>A on transcript NM_001042492.3 (MANE Select); the canonical splice donor site of the intron after coding-DNA position 1185, T replaced by A.
Molecular consequence: splice donor variant.
Genome position (GRCh38, 1-based): chr17:31,201,161, T>A. VCF-style: chr17-31201161-T-A. GRCh37 (hg19) VCF-style: chr17-29528179-T-A.
Other names: c.1185+2T>A (NM_000267.4, NM_001128147.3).
Identifiers: ClinVar variation 1743064 (VCV001743064.6), dbSNP rs1555611043, ClinGen allele CA398997364.